The following is an entry in ClinVar:

NM_001130009.3(GEN1):c.2567C>A (p.Ser856Tyr)

Gene: GEN1 (GEN1 structure-specific endonuclease; plus strand). Cytogenetic location: 2p24.2.
Variant type: single nucleotide variant.
Coding change: c.2567C>A on transcript NM_001130009.3 (MANE Select); coding-DNA position 2567, C replaced by A.
Protein change: p.Ser856Tyr; replaces serine 856 with tyrosine.
Molecular consequence: missense variant.
Genome position (GRCh38, 1-based): chr2:17,781,779, C>A. VCF-style: chr2-17781779-C-A. GRCh37 (hg19) VCF-style: chr2-17963046-C-A.
Other names: c.2567C>A, p.Ser856Tyr (NM_182625.5); c.2567C>A (NM_001130009.1); short protein forms S856Y.
Identifiers: ClinVar variation 1044557 (VCV001044557.11), dbSNP rs777965399, ClinGen allele CA1540977.

ClinVar aggregate classification (germline): Uncertain significance. Review status: criteria provided, multiple submitters, no conflicts (2 of 4 stars). 2 submissions from 2 submitters: Uncertain significance (2). Last evaluated 2026-01-04.

Allele frequency attached by ClinVar (database versions not stated): gnomAD 0.00001; gnomAD exomes 0.00002 and 0.00009; TOPMed 0.00004; ExAC 0.00008.
gnomAD v4.1: 29 of 1,611,346 alleles (0.0018%); highest among the groups gnomAD compares: East Asian, 0.056%; no homozygotes.

Submissions (2):

Labcorp Genetics (formerly Invitae), Labcorp
Classification: Uncertain significance. Last evaluated: 2026-01-04. Review status: criteria provided, single submitter. Criteria: Invitae Variant Classification Sherloc (09022015). Collection method: clinical testing. Allele origin: germline.
Comment: This sequence change replaces serine, which is neutral and polar, with tyrosine, which is neutral and polar, at codon 856 of the GEN1 protein (p.Ser856Tyr). This variant is present in population databases (rs777965399, gnomAD 0.1%), and has an allele count higher than expected for a pathogenic variant. This variant has not been reported in the literature in individuals affected with GEN1-related conditions. ClinVar contains an entry for this variant (Variation ID: 1044557). An algorithm developed to predict the effect of missense changes on protein structure and function (PolyPhen-2) suggests that this variant is likely to be tolerated. In summary, the available evidence is currently insufficient to determine the role of this variant in disease. Therefore, it has been classified as a Variant of Uncertain Significance.

Ambry Genetics
Classification: Uncertain significance. Last evaluated: 2024-11-18. Review status: criteria provided, single submitter. Criteria: Ambry Variant Classification Scheme 2023. Collection method: clinical testing. Allele origin: germline.
Comment: The p.S856Y variant (also known as c.2567C>A), located in coding exon 13 of the GEN1 gene, results from a C to A substitution at nucleotide position 2567. The serine at codon 856 is replaced by tyrosine, an amino acid with dissimilar properties. This amino acid position is conserved. In addition, this alteration is predicted to be tolerated by in silico analysis. Based on the available evidence, the clinical significance of this variant remains unclear.